The following is an entry in ClinVar:

NM_144997.7(FLCN):c.1635del (p.Asp545fs)

Gene: FLCN (folliculin; minus strand). Cytogenetic location: 17p11.2.
Variant type: Deletion.
Coding change: c.1635del on transcript NM_144997.7 (MANE Select); coding-DNA position 1635, one base deleted (C; older notation c.1635delC).
Protein change: p.Asp545fs; shifts the reading frame from aspartic acid 545.
Molecular consequence: frameshift variant.
Genome position (GRCh38, 1-based): chr17:17,213,760, G deleted on the plus strand (C on the coding strand, the reverse complement: FLCN is on the minus strand). VCF-style (leftmost placement, unchanged base first): chr17-17213759-TG-T. GRCh37 (hg19) VCF-style: chr17-17117073-TG-T.
Other names: c.1689del, p.Asp563fs (NM_001353229.2); c.1635del, p.Asp545fs (NM_001353230.2, NM_001353231.2); short protein forms D545fs, D563fs.
Identifiers: ClinVar variation 2586505 (VCV002586505.2), dbSNP rs2544123901, ClinGen allele CA2582342149.
Genomic context (GRCh38, chr17:17,213,759, plus strand): 5'-TGAGGTGTGACTTGTAGGTCTTGCTCAGGCCAGTCATCCAGAACTTCAGCAGCTTGACAT[TG>T]TCCTCCTCGGACGCACCCAGGATGCTCAGCAGCTTCTGTGTGTCCTCTTTGGGTCGACTG-3'

ClinVar aggregate classification (germline): Pathogenic (1 of 4 stars; one submission).

Conditions:
Hereditary cancer-predisposing syndrome. Also called: Hereditary neoplastic syndrome; Tumor predisposition; Hereditary Cancer Syndrome; Neoplastic Syndromes, Hereditary. Identifiers: Orphanet 140162, MedGen C0027672, MeSH D009386, MONDO:0015356.

Submission:

Ambry Genetics
Classification: Pathogenic for Hereditary cancer-predisposing syndrome. Last evaluated: 2023-09-03. Review status: criteria provided, single submitter. Criteria: Ambry Variant Classification Scheme 2023. Collection method: clinical testing. Allele origin: germline.
Comment: The c.1635delC pathogenic mutation, located in coding exon 11 of the FLCN gene, results from a deletion of one nucleotide at nucleotide position 1635, causing a translational frameshift with a predicted alternate stop codon (p.D545Efs*6). This alteration occurs at the 3' terminus of theFLCN gene, is not expected to trigger nonsense-mediated mRNA decay, and only impacts the last 5% of the protein. However, premature stop codons are typically deleterious in nature and the impacted region is critical for protein function (Ambry internal data). This variant is considered to be rare based on population cohorts in the Genome Aggregation Database (gnomAD). Based on the supporting evidence, this alteration is interpreted as a disease-causing mutation.